The following is an entry in ClinVar:

ClinVar aggregate classification (germline): Uncertain significance. Review status: criteria provided, multiple submitters, no conflicts (2 of 4 stars). 2 submissions from 2 submitters: Uncertain significance (2). Last evaluated 2022-08-09.

Conditions:
Developmental and epileptic encephalopathy, 36 (DEE36). Also called: Congenital disorder of glycosylation, type Is; Epileptic encephalopathy, early infantile, 36; ALG13-CDG. Identifiers: Orphanet 324422, MedGen C4317295, MONDO:0010472, OMIM 300884.

Allele frequency attached by ClinVar (database versions not stated): gnomAD exomes below 0.00001 and 0.00001; TOPMed below 0.00001; ExAC 0.00001; gnomAD 0.00001.
gnomAD v4.1: 3 of 1,192,578 alleles (0.00025%); highest among the groups gnomAD compares: African/African-American, 0.0018%; no homozygotes.

Submissions (2):

Labcorp Genetics (formerly Invitae), Labcorp
Classification: Uncertain significance for Developmental and epileptic encephalopathy, 36. Last evaluated: 2022-08-09. Review status: criteria provided, single submitter. Criteria: Invitae Variant Classification Sherloc (09022015). Collection method: clinical testing. Allele origin: germline.
Comment: This sequence change replaces glutamine, which is neutral and polar, with proline, which is neutral and non-polar, at codon 832 of the ALG13 protein (p.Gln832Pro). In summary, the available evidence is currently insufficient to determine the role of this variant in disease. Therefore, it has been classified as a Variant of Uncertain Significance. Algorithms developed to predict the effect of sequence changes on RNA splicing suggest that this variant may create or strengthen a splice site. Algorithms developed to predict the effect of missense changes on protein structure and function are either unavailable or do not agree on the potential impact of this missense change (SIFT: "Tolerated"; PolyPhen-2: "Probably Damaging"; Align-GVGD: "Class C0"). ClinVar contains an entry for this variant (Variation ID: 1506833). This variant has not been reported in the literature in individuals affected with ALG13-related conditions. This variant is present in population databases (rs781652731, gnomAD 0.008%).

Revvity Omics, Revvity
Classification: Uncertain significance for Developmental and epileptic encephalopathy, 36. Last evaluated: 2022-02-03. Review status: criteria provided, single submitter. Criteria: ACMG Guidelines, 2015. Collection method: clinical testing. Allele origin: germline.

NM_001099922.3(ALG13):c.2495A>C (p.Gln832Pro)

Gene: ALG13 (ALG13 UDP-N-acetylglucosaminyltransferase subunit; plus strand). Cytogenetic location: Xq23.
Variant type: single nucleotide variant.
Coding change: c.2495A>C on transcript NM_001099922.3 (MANE Select); coding-DNA position 2495, A replaced by C.
Protein change: p.Gln832Pro; replaces glutamine 832 with proline.
Molecular consequence: missense variant. On other transcripts: non-coding transcript variant (1).
Genome position (GRCh38, 1-based): chrX:111,735,088, A>C. VCF-style: chrX-111735088-A-C. GRCh37 (hg19) VCF-style: chrX-110978316-A-C.
Other names: c.2183A>C, p.Gln728Pro (NM_001257230.2, NM_001257234.2, NM_001257237.2); c.2261A>C, p.Gln754Pro (NM_001257231.2); c.2495A>C, p.Gln832Pro (NM_001324292.2); c.2009A>C, p.Gln670Pro (NM_001324293.1); short protein forms Q670P, Q832P, Q728P, Q754P.
Identifiers: ClinVar variation 1506833 (VCV001506833.8), dbSNP rs781652731, ClinGen allele CA10493918.
Genomic context (GRCh38, chrX:111,735,088, plus strand): 5'-TTAACTATATTTTTGTATTAAAGTCTCTTCAGGACAGAAAGTCATGTTCTATGTCTCCTC[A>C]GGACACAGTTACCTCATACAACTACCCCCAGAAGGTAATCCTCATAGTGTTATTAAGCAG-3'
Protein context (NP_001093392.1, residues 822-842): QDRKSCSMSP[Gln832Pro]DTVTSYNYPQ